The following is an entry in ClinVar:

ClinVar aggregate classification (germline): Uncertain significance (1 of 4 stars; one submission).

Conditions:
Nephronophthisis. Also called: Juvenile Nephronophthisis. Identifiers: Orphanet 655, MedGen C0687120, MONDO:0019005, HP:0000090.

Allele frequency attached by ClinVar (database versions not stated): TOPMed below 0.00001; gnomAD 0.00001; gnomAD exomes 0.00001.
gnomAD v4.1: 15 of 1,613,876 alleles (0.00093%); highest among the groups gnomAD compares: Non-Finnish European, 0.0013%; no homozygotes.

Submission:

Labcorp Genetics (formerly Invitae), Labcorp
Classification: Uncertain significance for Nephronophthisis. Last evaluated: 2023-12-21. Review status: criteria provided, single submitter. Criteria: Invitae Variant Classification Sherloc (09022015). Collection method: clinical testing. Allele origin: germline.
Comment: This sequence change replaces asparagine, which is neutral and polar, with aspartic acid, which is acidic and polar, at codon 17 of the NPHP1 protein (p.Asn17Asp). This variant is not present in population databases (gnomAD no frequency). This variant has not been reported in the literature in individuals affected with NPHP1-related conditions. ClinVar contains an entry for this variant (Variation ID: 2185945). Advanced modeling of protein sequence and biophysical properties (such as structural, functional, and spatial information, amino acid conservation, physicochemical variation, residue mobility, and thermodynamic stability) performed at Invitae indicates that this missense variant is not expected to disrupt NPHP1 protein function with a negative predictive value of 80%. In summary, the available evidence is currently insufficient to determine the role of this variant in disease. Therefore, it has been classified as a Variant of Uncertain Significance.

NM_001128178.3(NPHP1):c.49A>G (p.Asn17Asp)

Gene: NPHP1 (nephrocystin 1; minus strand). Cytogenetic location: 2q13.
Variant type: single nucleotide variant.
Coding change: c.49A>G on transcript NM_001128178.3 (MANE Select); coding-DNA position 49, A replaced by G.
Protein change: p.Asn17Asp; replaces asparagine 17 with aspartic acid.
Molecular consequence: missense variant.
Genome position (GRCh38, 1-based): chr2:110,204,920, T>C on the plus strand (A>G on the coding strand, the complement: NPHP1 is on the minus strand). VCF-style: chr2-110204920-T-C. GRCh37 (hg19) VCF-style: chr2-110962497-T-C.
Other names: c.49A>G, p.Asn17Asp (NM_000272.5, NM_001128179.3, NM_001374256.1 and 2 more transcripts); short protein forms N17D.
Identifiers: ClinVar variation 2185945 (VCV002185945.4), dbSNP rs1167096249, ClinGen allele CA348094280.